The following is an entry in ClinVar:

NM_030667.3(PTPRO):c.2406T>C (p.Ser802=)

Gene: PTPRO (protein tyrosine phosphatase receptor type O; plus strand). Cytogenetic location: 12p12.3.
Variant type: single nucleotide variant.
Coding change: c.2406T>C on transcript NM_030667.3 (MANE Select); coding-DNA position 2406, T replaced by C.
Protein change: p.Ser802=; no amino-acid change (serine 802 retained).
Molecular consequence: synonymous variant. On other transcripts: 5 prime UTR variant (4).
Genome position (GRCh38, 1-based): chr12:15,549,195, T>C. VCF-style: chr12-15549195-T-C. GRCh37 (hg19) VCF-style: chr12-15702129-T-C.
Other names: c.2406T>C (NM_030667.2); c.2406T>C, p.Ser802= (NM_002848.4); c.-28T>C (NM_030668.3, NM_030669.3, NM_030670.3 and 1 more transcripts).
Identifiers: ClinVar variation 1590988 (VCV001590988.18), dbSNP rs61741744, ClinGen allele CA6466810.

ClinVar aggregate classification (germline): Benign/Likely benign. Review status: criteria provided, multiple submitters, no conflicts (2 of 4 stars). 5 submissions from 5 submitters: Benign (2); Likely benign (2). 1 of the submissions does not count toward it. Last evaluated 2026-01-06.

Conditions:
PTPRO-related disorder. Also called: PTPRO-related condition.
Nephrotic syndrome, type 6 (NPHS6). Identifiers: Orphanet 656, MedGen C3280100, MONDO:0013619, OMIM 614196.

Allele frequency attached by ClinVar (database versions not stated): gnomAD exomes 0.00024 and 0.00060; ExAC 0.00075; 1000 Genomes Project 0.00260; 1000 Genomes Project 30x 0.00265; gnomAD 0.00271 and 0.00293; TOPMed 0.00291; ESP Exome Variant Server 0.00300.
gnomAD v4.1: 779 of 1,612,950 alleles (0.048%); highest among the groups gnomAD compares: African/African-American, 0.94%; 5 homozygotes.

Submissions (5):

Labcorp Genetics (formerly Invitae), Labcorp
Classification: Benign. Last evaluated: 2026-01-06. Review status: criteria provided, single submitter. Criteria: Invitae Variant Classification Sherloc (09022015). Collection method: clinical testing. Allele origin: germline.

CeGaT Center for Human Genetics Tuebingen
Classification: Likely benign. Last evaluated: 2025-10-01. Review status: criteria provided, single submitter. Criteria: CeGaT Center For Human Genetics Tuebingen Variant Classification Criteria Version 2. Collection method: clinical testing. Allele origin: germline. Affected: yes. Observed: 1 variant allele.
Comment: PTPRO: BP4, BP7

Fulgent Genetics
Classification: Likely benign for Nephrotic syndrome, type 6. Last evaluated: 2021-07-21. Review status: criteria provided, single submitter. Criteria: ACMG Guidelines, 2015. Collection method: clinical testing. Allele origin: unknown.

Breakthrough Genomics
Classification: Benign. Review status: criteria provided, single submitter. Criteria: ACMG Guidelines, 2015. Collection method: not provided. Allele origin: germline. Inheritance: Autosomal recessive inheritance. Affected: yes.

PreventionGenetics, part of Exact Sciences
Classification: Benign for PTPRO-related condition. Last evaluated: 2019-08-05. Review status: no assertion criteria provided. Collection method: clinical testing. Allele origin: germline. Not counted in ClinVar's aggregate classification.
Comment: This variant is classified as benign based on ACMG/AMP sequence variant interpretation guidelines (Richards et al. 2015 PMID: 25741868, with internal and published modifications).